The following is an entry in ClinVar:

NM_020433.5(JPH2):c.1170G>C (p.Arg390Ser)

Gene: JPH2 (junctophilin 2; minus strand). Cytogenetic location: 20q13.12.
Variant type: single nucleotide variant.
Coding change: c.1170G>C on transcript NM_020433.5 (MANE Select); coding-DNA position 1170, G replaced by C.
Protein change: p.Arg390Ser; replaces arginine 390 with serine.
Molecular consequence: missense variant.
Genome position (GRCh38, 1-based): chr20:44,118,623, C>G on the plus strand (G>C on the coding strand, the complement: JPH2 is on the minus strand). VCF-style: chr20-44118623-C-G. GRCh37 (hg19) VCF-style: chr20-42747263-C-G.
Other names: short protein forms R390S.
Identifiers: ClinVar variation 4040900 (VCV004040900.1).

ClinVar aggregate classification (germline): Uncertain significance (1 of 4 stars; one submission).

Conditions:
Cardiovascular phenotype. Identifiers: MedGen CN230736.

Submission:

Ambry Genetics
Classification: Uncertain significance for Cardiovascular phenotype. Last evaluated: 2025-04-30. Review status: criteria provided, single submitter. Criteria: Ambry Variant Classification Scheme 2023. Collection method: clinical testing. Allele origin: germline.
Comment: The p.R390S variant (also known as c.1170G>C) is located in coding exon 3 of the JPH2 gene. The arginine at codon 390 is replaced by serine, an amino acid with dissimilar properties. This change occurs in the first base pair of coding exon 3. This amino acid position is conserved. In addition, the in silico prediction for this alteration is inconclusive. Based on the available evidence, the clinical significance of this variant remains unclear.